The following is an entry in ClinVar:

NM_177438.3(DICER1):c.904-3del

Gene: DICER1 (dicer 1, ribonuclease III; minus strand). Cytogenetic location: 14q32.13.
Variant type: Deletion.
Coding change: c.904-3del on transcript NM_177438.3 (MANE Select); 3 bases into the intron before coding-DNA position 904, one base deleted (T; older notation c.904-3delT).
Molecular consequence: intron variant.
Genome position (GRCh38, 1-based): chr14:95,124,671, A deleted on the plus strand (T on the coding strand, the reverse complement: DICER1 is on the minus strand). VCF-style (leftmost placement, unchanged base first): chr14-95124670-TA-T. GRCh37 (hg19) VCF-style: chr14-95591007-TA-T.
Other names: c.904-3del (NM_001291628.2, NM_030621.4, NM_001271282.3 and 1 more transcripts).
Identifiers: ClinVar variation 1480406 (VCV001480406.7), dbSNP rs1338351278, ClinGen allele CA615846328.

ClinVar aggregate classification (germline): Uncertain significance (1 of 4 stars; one submission).

Conditions:
DICER1-related tumor predisposition. Also called: DICER1-related pleuropulmonary blastoma cancer predisposition syndrome; DICER1 syndrome. Identifiers: Orphanet 284343, MedGen C3839822, MONDO:0100216.

Allele frequency attached by ClinVar (database versions not stated): gnomAD exomes below 0.00001.

Submission:

Labcorp Genetics (formerly Invitae), Labcorp
Classification: Uncertain significance for DICER1-related tumor predisposition. Last evaluated: 2024-02-24. Review status: criteria provided, single submitter. Criteria: Invitae Variant Classification Sherloc (09022015). Collection method: clinical testing. Allele origin: germline.
Comment: This sequence change falls in intron 7 of the DICER1 gene. It does not directly change the encoded amino acid sequence of the DICER1 protein. It affects a nucleotide within the consensus splice site. The frequency data for this variant in the population databases is considered unreliable, as metrics indicate poor data quality at this position in the gnomAD database. This variant has not been reported in the literature in individuals affected with DICER1-related conditions. ClinVar contains an entry for this variant (Variation ID: 1480406). Variants that disrupt the consensus splice site are a relatively common cause of aberrant splicing (PMID: 17576681, 9536098). Algorithms developed to predict the effect of sequence changes on RNA splicing suggest that this variant may disrupt the consensus splice site. In summary, the available evidence is currently insufficient to determine the role of this variant in disease. Therefore, it has been classified as a Variant of Uncertain Significance.

Literature cited by the submitters: PubMed 17576681; PubMed 9536098.